The following is an entry in ClinVar:

NM_002693.3(POLG):c.1094G>C (p.Gly365Ala)

Gene: POLG (DNA polymerase gamma, catalytic subunit; minus strand). Cytogenetic location: 15q26.1.
Variant type: single nucleotide variant.
Coding change: c.1094G>C on transcript NM_002693.3 (MANE Select); coding-DNA position 1094, G replaced by C.
Protein change: p.Gly365Ala; replaces glycine 365 with alanine.
Molecular consequence: missense variant.
Genome position (GRCh38, 1-based): chr15:89,328,761, C>G on the plus strand (G>C on the coding strand, the complement: POLG is on the minus strand). VCF-style: chr15-89328761-C-G. GRCh37 (hg19) VCF-style: chr15-89871992-C-G.
Other names: c.1094G>C, p.Gly365Ala (NM_001126131.2); short protein forms G365A.
Identifiers: ClinVar variation 573356 (VCV000573356.9), dbSNP rs781181789, ClinGen allele CA393764916.
Genomic context (GRCh38, chr15:89,328,761, plus strand): 5'-ATGTCCTTCATGGTGCCCTTCACAAACAGTTCTCGAGGCTCCTTCTCTAAGGGAGGCCCC[C>G]CTACATAAAGTCTGTGCACCTCTGCCAGACTGTTGACACTGCTGATGTCCAGCCAGTCCC-3'
Protein context (NP_002684.1, residues 355-375): SLAEVHRLYV[Gly365Ala]GPPLEKEPRE

ClinVar aggregate classification (germline): Uncertain significance (1 of 4 stars; one submission).

Conditions:
Progressive sclerosing poliodystrophy (MTDPS4A). Also called: Mitochondrial DNA depletion syndrome 4A (Alpers type); Mitochondrial DNA Depletion Syndrome 4A; Alpers Syndrome; ALPERS DIFFUSE DEGENERATION OF CEREBRAL GRAY MATTER WITH HEPATIC CIRRHOSIS; Alpers-Huttenlocher Syndrome; ALPERS PROGRESSIVE INFANTILE POLIODYSTROPHY. Identifiers: Orphanet 726, MedGen C0205710, MONDO:0008758, OMIM 203700.

gnomAD v4.1: 1 of 1,614,154 alleles (0.000062%); highest among the groups gnomAD compares: Non-Finnish European, 0.000085%; no homozygotes.

Submission:

Labcorp Genetics (formerly Invitae), Labcorp
Classification: Uncertain significance for Progressive sclerosing poliodystrophy. Last evaluated: 2018-03-14. Review status: criteria provided, single submitter. Criteria: Invitae Variant Classification Sherloc (09022015). Collection method: clinical testing. Allele origin: germline.
Comment: This variant is not present in population databases (ExAC no frequency). This variant has been reported in an individual affected with an adult neurological disease (PMID: 25118206). This sequence change replaces glycine with alanine at codon 365 of the POLG protein (p.Gly365Ala). The glycine residue is highly conserved and there is a small physicochemical difference between glycine and alanine. In summary, the available evidence is currently insufficient to determine the role of this variant in disease. Therefore, it has been classified as a Variant of Uncertain Significance. Algorithms developed to predict the effect of missense changes on protein structure and function do not agree on the potential impact of this missense change (SIFT: "Tolerated"; PolyPhen-2: "Probably Damaging"; Align-GVGD: "Class C0").

Literature cited by the submitters: PubMed 25118206.